The following is an entry in ClinVar:

ClinVar aggregate classification (germline): Uncertain significance (1 of 4 stars; one submission).

Allele frequency attached by ClinVar (database versions not stated): TOPMed below 0.00001.

Submission:

Labcorp Genetics (formerly Invitae), Labcorp
Classification: Uncertain significance. Last evaluated: 2023-08-17. Review status: criteria provided, single submitter. Criteria: Invitae Variant Classification Sherloc (09022015). Collection method: clinical testing. Allele origin: germline.
Comment: In summary, the available evidence is currently insufficient to determine the role of this variant in disease. Therefore, it has been classified as a Variant of Uncertain Significance. Advanced modeling of protein sequence and biophysical properties (such as structural, functional, and spatial information, amino acid conservation, physicochemical variation, residue mobility, and thermodynamic stability) performed at Invitae indicates that this missense variant is not expected to disrupt FOXP1 protein function. This variant has not been reported in the literature in individuals affected with FOXP1-related conditions. This variant is not present in population databases (gnomAD no frequency). This sequence change replaces leucine, which is neutral and non-polar, with serine, which is neutral and polar, at codon 651 of the FOXP1 protein (p.Leu651Ser).

NM_001349338.3(FOXP1):c.1952T>C (p.Leu651Ser)

Gene: FOXP1 (forkhead box P1; minus strand). Cytogenetic location: 3p13.
Variant type: single nucleotide variant.
Coding change: c.1952T>C on transcript NM_001349338.3 (MANE Select); coding-DNA position 1952, T replaced by C.
Protein change: p.Leu651Ser; replaces leucine 651 with serine.
Molecular consequence: missense variant. On other transcripts: non-coding transcript variant (2).
Genome position (GRCh38, 1-based): chr3:70,959,329, A>G on the plus strand (T>C on the coding strand, the complement: FOXP1 is on the minus strand). VCF-style: chr3-70959329-A-G. GRCh37 (hg19) VCF-style: chr3-71008480-A-G.
Other names: c.1949T>C, p.Leu650Ser (NM_001244808.3, NM_001349341.3); c.2000T>C, p.Leu667Ser (NM_001244810.2); c.1724T>C, p.Leu575Ser (NM_001244812.3); c.1652T>C, p.Leu551Ser (NM_001244813.3, NM_001244815.2, NM_001349342.3); c.1952T>C, p.Leu651Ser (NM_001244814.3, NM_001244816.2, NM_001349340.3 and 1 more transcripts); c.1649T>C, p.Leu550Ser (NM_001349337.2, NM_001349343.3, NM_001349344.3 and 1 more transcripts); short protein forms L550S, L667S, L651S, L551S, L575S, L650S.
Identifiers: ClinVar variation 2753442 (VCV002753442.3), dbSNP rs2032627155, ClinGen allele CA353488566.